The following is an entry in ClinVar:

ClinVar aggregate classification (germline): Uncertain significance (1 of 4 stars; one submission).

Conditions:
Hypoplastic left heart syndrome. Also called: Hypoplastic left ventricle; Hypoplastic left heart. Identifiers: Orphanet 2248, MedGen C0152101, MONDO:0004933, HP:0004383.

Allele frequency attached by ClinVar (database versions not stated): ExAC 0.00001; gnomAD exomes 0.00001; TOPMed 0.00002.
gnomAD v4.1: 9 of 1,614,124 alleles (0.00056%); highest among the groups gnomAD compares: African/African-American, 0.008%; no homozygotes.

Submission:

Labcorp Genetics (formerly Invitae), Labcorp
Classification: Uncertain significance for Hypoplastic left heart syndrome. Last evaluated: 2020-01-20. Review status: criteria provided, single submitter. Criteria: Invitae Variant Classification Sherloc (09022015). Collection method: clinical testing. Allele origin: germline.
Comment: In summary, the available evidence is currently insufficient to determine the role of this variant in disease. Therefore, it has been classified as a Variant of Uncertain Significance. Algorithms developed to predict the effect of missense changes on protein structure and function (SIFT, PolyPhen-2, Align-GVGD) all suggest that this variant is likely to be disruptive, but these predictions have not been confirmed by published functional studies and their clinical significance is uncertain. This variant has not been reported in the literature in individuals with HAND1-related conditions. This variant is present in population databases (rs745686103, ExAC 0.01%). This sequence change replaces valine with leucine at codon 124 of the HAND1 protein (p.Val124Leu). The valine residue is highly conserved and there is a small physicochemical difference between valine and leucine.

NM_004821.3(HAND1):c.370G>T (p.Val124Leu)

Gene: HAND1 (heart and neural crest derivatives expressed 1; minus strand). Cytogenetic location: 5q33.2.
Variant type: single nucleotide variant.
Coding change: c.370G>T on transcript NM_004821.3 (MANE Select); coding-DNA position 370, G replaced by T.
Protein change: p.Val124Leu; replaces valine 124 with leucine.
Molecular consequence: missense variant.
Genome position (GRCh38, 1-based): chr5:154,477,639, C>A on the plus strand (G>T on the coding strand, the complement: HAND1 is on the minus strand). VCF-style: chr5-154477639-C-A. GRCh37 (hg19) VCF-style: chr5-153857199-C-A.
Other names: short protein forms V124L.
Identifiers: ClinVar variation 999716 (VCV000999716.9), dbSNP rs745686103, ClinGen allele CA3526568.
Genomic context (GRCh38, chr5:154,477,639, plus strand): 5'-CGATGTAGCTGGTGGCTAGGCGCAGAGTCTTGATCTTGGAGAGCTTGGTGTCGGCCGGCA[C>A]GTTGGGGATGCACTCGCGCAACTCCGCGAATGCGCTGTTAATGCTCTCAGTGCGTCTCCG-3'
Protein context (NP_004812.1, residues 114-134): FAELRECIPN[Val124Leu]PADTKLSKIK